The following is an entry in ClinVar:

ClinVar aggregate classification (germline): Likely pathogenic (1 of 4 stars; one submission).

Conditions:
Solitary median maxillary central incisor syndrome. Also called: FUSED INCISORS; SINGLE CENTRAL MAXILLARY INCISOR; Solitary median maxillary central incisor; SMMCI SYNDROME; Single Central Incisor Syndrome. Identifiers: MedGen C1840235, MONDO:0007819, OMIM 147250, HP:0006315.

Submission:

Laboratory of Molecular Genetics, CHU Rennes
Classification: Likely pathogenic for Solitary median maxillary central incisor syndrome. Last evaluated: 2025-02-27. Review status: criteria provided, single submitter. Criteria: ACMG Guidelines, 2015. Collection method: clinical testing. Allele origin: maternal. Inheritance: Oligogenic inheritance. Affected: yes.
Comment: The NM_000193.4:c.329C>A, is a missense variant in SHH in the Hedgehog domain (PM1), absent from controls (PM2), predicted pathogenic by prediction tools (PP3).

NM_000193.4(SHH):c.329C>A (p.Ala110Asp)

Gene: SHH (sonic hedgehog signaling molecule; minus strand). Cytogenetic location: 7q36.3.
Variant type: single nucleotide variant.
Coding change: c.329C>A on transcript NM_000193.4 (MANE Select); coding-DNA position 329, C replaced by A.
Protein change: p.Ala110Asp; replaces alanine 110 with aspartic acid.
Molecular consequence: missense variant. On other transcripts: non-coding transcript variant (2).
Genome position (GRCh38, 1-based): chr7:155,806,529, G>T on the plus strand (C>A on the coding strand, the complement: SHH is on the minus strand). VCF-style: chr7-155806529-G-T. GRCh37 (hg19) VCF-style: chr7-155599223-G-T.
Other names: c.68C>A, p.Ala23Asp (NM_001310462.2); short protein forms A110D, A23D.
Identifiers: ClinVar variation 3775122 (VCV003775122.1).
Genomic context (GRCh38, chr7:155,806,529, plus strand): 5'-TCGTCCCAGCCCTCGGTCACCCGCAGTTTCACTCCTGGCCACTGGTTCATCACCGAGATG[G>T]CCAAAGCGTTCAACTTGTCCTTACACCTCTGCGAAGACAAGGGGACCCCCACCGACGGAC-3'
Protein context (NP_000184.1, residues 100-120): QRCKDKLNAL[Ala110Asp]ISVMNQWPGV